The following is an entry in ClinVar:

ClinVar aggregate classification (germline): Uncertain significance (1 of 4 stars; one submission).

Conditions:
Polycystic kidney disease 4 (PKD4). Also called: POLYCYSTIC KIDNEY AND HEPATIC DISEASE 1; POLYCYSTIC KIDNEY DISEASE, INFANTILE, TYPE I; PKD3; Autosomal Recessive Polycystic Kidney Disease – PKHD1; POLYCYSTIC KIDNEY DISEASE 4 WITH OR WITHOUT POLYCYSTIC LIVER DISEASE. Identifiers: MedGen C4540575, MONDO:0033004, OMIM 263200.

Submission:

Neuberg Centre For Genomic Medicine, NCGM
Classification: Uncertain significance for Polycystic kidney disease 4. Review status: criteria provided, single submitter. Criteria: ACMG Guidelines, 2015. Collection method: clinical testing. Allele origin: germline. Inheritance: Autosomal recessive inheritance. Affected: yes.
Comment: The missense c.8861C>T (p.Thr2954Ile) variant in in PKHD1 gene has not been reported previously as a pathogenic variant nor as a benign variant, to our knowledge. The p.Asn541Asp variant is novel (not in any individuals) in gnomAD Exomes and 1000 Genomes. The amino acid Thr at position 2954 is changed to a Ile changing protein sequence and it might alter its composition and physico-chemical properties. The variant is predicted to be damaging by both SIFT and PolyPhen2. The residue is conserved across species. The amino acid change p.Thr2954Ile in PKHD1 is predicted as conserved by GERP++ and PhyloP across 100 vertebrates. For these reasons, this variant has been classified as Uncertain Significance.

NM_138694.4(PKHD1):c.8861C>T (p.Thr2954Ile)

Gene: PKHD1 (PKHD1 ciliary IPT domain containing fibrocystin/polyductin; minus strand). Cytogenetic location: 6p12.3.
Variant type: single nucleotide variant.
Coding change: c.8861C>T on transcript NM_138694.4 (MANE Select); coding-DNA position 8861, C replaced by T.
Protein change: p.Thr2954Ile; replaces threonine 2954 with isoleucine.
Molecular consequence: missense variant.
Genome position (GRCh38, 1-based): chr6:51,753,290, G>A on the plus strand (C>T on the coding strand, the complement: PKHD1 is on the minus strand). VCF-style: chr6-51753290-G-A. GRCh37 (hg19) VCF-style: chr6-51618088-G-A.
Other names: c.8861C>T, p.Thr2954Ile (NM_170724.3); short protein forms T2954I.
Identifiers: ClinVar variation 2585417 (VCV002585417.1), dbSNP rs2533916334, ClinGen allele CA364426979.